The following is an entry in ClinVar:

NM_020041.3(SLC2A9):c.944G>A (p.Trp315Ter)

Gene: SLC2A9 (solute carrier family 2 member 9; minus strand). Cytogenetic location: 4p16.1.
Variant type: single nucleotide variant.
Coding change: c.944G>A on transcript NM_020041.3 (MANE Select); coding-DNA position 944, G replaced by A.
Protein change: p.Trp315Ter; replaces tryptophan 315 with a stop codon.
Molecular consequence: nonsense.
Genome position (GRCh38, 1-based): chr4:9,920,443, C>T on the plus strand (G>A on the coding strand, the complement: SLC2A9 is on the minus strand). VCF-style: chr4-9920443-C-T. GRCh37 (hg19) VCF-style: chr4-9922067-C-T.
Other names: c.857G>A, p.Trp286Ter (NM_001001290.2); short protein forms W286*, W315*.
Identifiers: ClinVar variation 4698261 (VCV004698261.3).

ClinVar aggregate classification (germline): Pathogenic. Review status: criteria provided, multiple submitters, no conflicts (2 of 4 stars). 2 submissions from 2 submitters: Pathogenic (2). Last evaluated 2025-08-01.

Conditions:
Hypouricemia, renal, 2. Also called: HYPOURICEMIA, RENAL, 2, AUTOSOMAL DOMINANT; HYPOURICEMIA, RENAL, 2, AUTOSOMAL RECESSIVE. Identifiers: MedGen C2677549, MONDO:0012793, OMIM 612076.

gnomAD v4.1: 15 of 1,614,078 alleles (0.00093%); highest among the groups gnomAD compares: East Asian, 0.031%; no homozygotes.

Submissions (2):

Labcorp Genetics (formerly Invitae), Labcorp
Classification: Pathogenic. Last evaluated: 2025-08-01. Review status: criteria provided, single submitter. Criteria: Invitae Variant Classification Sherloc (09022015). Collection method: clinical testing. Allele origin: germline.
Comment: This sequence change creates a premature translational stop signal (p.Trp315*) in the SLC2A9 gene. It is expected to result in an absent or disrupted protein product. Loss-of-function variants in SLC2A9 are known to be pathogenic (PMID: 19926891, 21256783, 21536615, 24628802). This variant is present in population databases (rs775438172, gnomAD 0.06%). This premature translational stop signal has been observed in individual(s) with autosomal recessive familial hypouricemia (PMID: 31638209, 36860634). This variant is also known as c.857G>A (p.W286X). For these reasons, this variant has been classified as Pathogenic.

Juno Genomics, Hangzhou Juno Genomics, Inc
Classification: Pathogenic for Hypouricemia, renal, 2. Review status: criteria provided, single submitter. Criteria: ACMG Guidelines, 2015. Collection method: clinical testing. Allele origin: germline.
Comment: Absent from controls (or at extremely low frequency if recessive) in Genome Aggregation Database.;Null variant in a gene where loss of function (LOF) is a known mechanism of disease.;For recessive disorders, detected in trans with a pathogenic variant.;Patient's phenotype or family history is highly specific for a disease with a single genetic etiology.

Literature cited by the submitters: PubMed 19926891 (cited by Labcorp Genetics (formerly Invitae), Labcorp); PubMed 21256783 (cited by Labcorp Genetics (formerly Invitae), Labcorp); PubMed 21536615 (cited by Labcorp Genetics (formerly Invitae), Labcorp); PubMed 24628802 (cited by Labcorp Genetics (formerly Invitae), Labcorp); PubMed 31638209 (cited by Labcorp Genetics (formerly Invitae), Labcorp); PubMed 36860634 (cited by Labcorp Genetics (formerly Invitae), Labcorp).